The following is an entry in ClinVar:

NM_004973.4(JARID2):c.1459A>G (p.Lys487Glu)

Gene: JARID2 (jumonji and AT-rich interaction domain containing 2; plus strand). Cytogenetic location: 6p22.3.
Variant type: single nucleotide variant.
Coding change: c.1459A>G on transcript NM_004973.4 (MANE Select); coding-DNA position 1459, A replaced by G.
Protein change: p.Lys487Glu; replaces lysine 487 with glutamic acid.
Molecular consequence: missense variant.
Genome position (GRCh38, 1-based): chr6:15,496,684, A>G. VCF-style: chr6-15496684-A-G. GRCh37 (hg19) VCF-style: chr6-15496915-A-G.
Other names: c.943A>G, p.Lys315Glu (NM_001267040.1); c.1459A>G (NM_004973.3); short protein forms K315E, K487E.
Identifiers: ClinVar variation 2656245 (VCV002656245.25), dbSNP rs142532617, ClinGen allele CA3642895.

ClinVar aggregate classification (germline): Likely benign. Review status: criteria provided, single submitter (1 of 4 stars). 2 submissions from 2 submitters: Likely benign (1). 1 of the submissions does not count toward it. Last evaluated 2026-07-01.

Conditions:
JARID2-related disorder. Also called: JARID2-related condition.

Allele frequency attached by ClinVar (database versions not stated): 1000 Genomes Project 30x 0.00016; 1000 Genomes Project 0.00020; ESP Exome Variant Server 0.00038; TOPMed 0.00068; gnomAD 0.00074; ExAC 0.00095; gnomAD exomes 0.00121.
gnomAD v4.1: 1,860 of 1,613,196 alleles (0.12%); highest among the groups gnomAD compares: South Asian, 0.14%; 7 homozygotes.

Submissions (2):

CeGaT Center for Human Genetics Tuebingen
Classification: Likely benign. Last evaluated: 2026-07-01. Review status: criteria provided, single submitter. Criteria: CeGaT Center For Human Genetics Tuebingen Variant Classification Criteria Version 2. Collection method: clinical testing. Allele origin: germline. Affected: yes. Observed: 2 variant alleles.
Comment: JARID2: BP4, BS1

PreventionGenetics, part of Exact Sciences
Classification: Likely benign for JARID2-related condition. Last evaluated: 2019-04-15. Review status: no assertion criteria provided. Collection method: clinical testing. Allele origin: germline. Not counted in ClinVar's aggregate classification.
Comment: This variant is classified as likely benign based on ACMG/AMP sequence variant interpretation guidelines (Richards et al. 2015 PMID: 25741868, with internal and published modifications).